The following is an entry in ClinVar:

NM_000079.4(CHRNA1):c.*426C>A

Gene: CHRNA1 (cholinergic receptor nicotinic alpha 1 subunit; minus strand). Cytogenetic location: 2q31.1.
Variant type: single nucleotide variant.
Coding change: c.*426C>A on transcript NM_000079.4 (MANE Select); 426 bases downstream of the stop codon, C replaced by A.
Molecular consequence: 3 prime UTR variant.
Genome position (GRCh38, 1-based): chr2:174,747,698, G>T on the plus strand (C>A on the coding strand, the complement: CHRNA1 is on the minus strand). VCF-style: chr2-174747698-G-T. GRCh37 (hg19) VCF-style: chr2-175612426-G-T.
Other names: c.*426C>A (NM_001039523.3).
Identifiers: ClinVar variation 332428 (VCV000332428.6), dbSNP rs115375214, ClinGen allele CA10611915.
Genomic context (GRCh38, chr2:174,747,698, plus strand): 5'-CTCTCTCTCCAAATCAAATGCCTTATCTCTTTAGGACTGGTAGATGGGGTTTTCTTAGTA[G>T]GTACAAAACTGACTCTTAAGCAAAGAATACACTTCATTTAGAACATCAGCAACTCCCTAG-3'

ClinVar aggregate classification (germline): Benign/Likely benign. Review status: criteria provided, multiple submitters, no conflicts (2 of 4 stars). 3 submissions from 2 submitters: Benign (2); Likely benign (1). Last evaluated 2021-08-31.

Conditions:
Congenital myasthenic syndrome (CMS). Also called: Congenital Myasthenic Syndromes. Identifiers: Orphanet 590, MedGen C0751882, MeSH D020294, MONDO:0018940.
Lethal multiple pterygium syndrome (LMPS). Identifiers: Orphanet 33108, MedGen C1854678, MONDO:0009668, OMIM 253290.

Allele frequency attached by ClinVar (database versions not stated): gnomAD exomes 0.00073; gnomAD 0.00727 and 0.00774; TOPMed 0.00853; 1000 Genomes Project 0.00879; 1000 Genomes Project 30x 0.01015.
gnomAD v4.1: 1,137 of 214,352 alleles (0.53%); highest among the groups gnomAD compares: African/African-American, 2.6%; 13 homozygotes.

Submissions (3):

GeneDx
Classification: Likely benign. Last evaluated: 2021-08-31. Review status: criteria provided, single submitter. Criteria: GeneDx Variant Classification Process June 2021. Collection method: clinical testing. Allele origin: germline. Affected: yes.

Illumina Laboratory Services, Illumina
Classification: Benign for Lethal multiple pterygium syndrome. Last evaluated: 2018-01-12. Review status: criteria provided, single submitter. Criteria: ICSL Variant Classification Criteria 13 December 2019. Collection method: clinical testing. Allele origin: germline.
Comment: This variant was observed in the ICSL laboratory as part of a predisposition screen in an ostensibly healthy population. It had not been previously curated by ICSL or reported in the Human Gene Mutation Database (HGMD: prior to June 1st, 2018), and was therefore a candidate for classification through an automated scoring system. Utilizing variant allele frequency, disease prevalence and penetrance estimates, and inheritance mode, an automated score was calculated to assess if this variant is too frequent to cause the disease. Based on the score and internal cut-off values, a variant classified as benign is not then subjected to further curation. The score for this variant resulted in a classification of benign for this disease.

Illumina Laboratory Services, Illumina
Classification: Benign for Congenital myasthenic syndrome. Last evaluated: 2018-01-12. Review status: criteria provided, single submitter. Criteria: ICSL Variant Classification Criteria 13 December 2019. Collection method: clinical testing. Allele origin: germline.
Comment: the same text as in the submission from Illumina Laboratory Services, Illumina above.